The following is an entry in ClinVar:

ClinVar aggregate classification (germline): Uncertain significance (1 of 4 stars; one submission).

gnomAD v4.1: 2 of 1,211,710 alleles (0.00017%); highest among the groups gnomAD compares: Non-Finnish European, 0.00022%; no homozygotes.

Submission:

GeneDx
Classification: Uncertain significance. Last evaluated: 2019-09-23. Review status: criteria provided, single submitter. Criteria: GeneDx Variant Classification Process June 2021. Collection method: clinical testing. Allele origin: germline. Affected: yes.
Comment: Not observed in large population cohorts (Lek et al., 2016); In silico analysis, which includes protein predictors and evolutionary conservation, supports that this variant does not alter protein structure/function; Has not been previously published as pathogenic or benign to our knowledge

NM_000307.5(POU3F4):c.874G>A (p.Val292Ile)

Gene: POU3F4 (POU class 3 homeobox 4; plus strand). Cytogenetic location: Xq21.1.
Variant type: single nucleotide variant.
Coding change: c.874G>A on transcript NM_000307.5 (MANE Select); coding-DNA position 874, G replaced by A.
Protein change: p.Val292Ile; replaces valine 292 with isoleucine.
Molecular consequence: missense variant.
Genome position (GRCh38, 1-based): chrX:83,509,198, G>A. VCF-style: chrX-83509198-G-A. GRCh37 (hg19) VCF-style: chrX-82764206-G-A.
Other names: short protein forms V292I.
Identifiers: ClinVar variation 1312397 (VCV001312397.2), dbSNP rs2147996819, ClinGen allele CA413752512.
Genomic context (GRCh38, chrX:83,509,198, plus strand): 5'-ATCGCTGCACAGGGCCGCAAGCGCAAGAAGCGGACCTCCATCGAGGTGAGTGTCAAGGGC[G>A]TACTGGAGACGCATTTCCTCAAGTGTCCCAAGCCTGCCGCGCAGGAGATCTCCTCGCTGG-3'
Protein context (NP_000298.3, residues 282-302): RTSIEVSVKG[Val292Ile]LETHFLKCPK